The following is an entry in ClinVar:

NM_001024630.4(RUNX2):c.404C>T (p.Thr135Ile)

Gene: RUNX2 (RUNX family transcription factor 2; plus strand). Cytogenetic location: 6p21.1.
Variant type: single nucleotide variant.
Coding change: c.404C>T on transcript NM_001024630.4 (MANE Select); coding-DNA position 404, C replaced by T.
Protein change: p.Thr135Ile; replaces threonine 135 with isoleucine.
Molecular consequence: missense variant.
Genome position (GRCh38, 1-based): chr6:45,422,938, C>T. VCF-style: chr6-45422938-C-T. GRCh37 (hg19) VCF-style: chr6-45390675-C-T.
Other names: c.404C>T, p.Thr135Ile (NM_001015051.4); c.362C>T, p.Thr121Ile (NM_001278478.2, NM_001369405.1); short protein forms T135I, T121I.
Identifiers: ClinVar variation 4741003 (VCV004741003.1).
Genomic context (GRCh38, chr6:45,422,938, plus strand): 5'-GCACCGACAGCCCCAACTTCCTGTGCTCGGTGCTGCCCTCGCACTGGCGCTGCAACAAGA[C>T]CCTGCCCGTGGCCTTCAAGGTAAGAGGCTACACCGCCCCCCGCCCCCGGCCGGGAGCGGC-3'
Protein context (NP_001019801.3, residues 125-145): VLPSHWRCNK[Thr135Ile]LPVAFKVVAL

ClinVar aggregate classification (germline): Uncertain significance (1 of 4 stars; one submission).

gnomAD v4.1: 1 of 1,611,884 alleles (0.000062%); highest among the groups gnomAD compares: East Asian, 0.0022%; no homozygotes.

Submission:

Labcorp Genetics (formerly Invitae), Labcorp
Classification: Uncertain significance. Last evaluated: 2025-05-21. Review status: criteria provided, single submitter. Criteria: Invitae Variant Classification Sherloc (09022015). Collection method: clinical testing. Allele origin: germline.
Comment: This sequence change replaces threonine, which is neutral and polar, with isoleucine, which is neutral and non-polar, at codon 135 of the RUNX2 protein (p.Thr135Ile). This variant is not present in population databases (gnomAD no frequency). This variant has not been reported in the literature in individuals affected with RUNX2-related conditions. Invitae Evidence Modeling of protein sequence and biophysical properties (such as structural, functional, and spatial information, amino acid conservation, physicochemical variation, residue mobility, and thermodynamic stability) indicates that this missense variant is expected to disrupt RUNX2 protein function with a positive predictive value of 80%. In summary, the available evidence is currently insufficient to determine the role of this variant in disease. Therefore, it has been classified as a Variant of Uncertain Significance.